The following is an entry in ClinVar:

ClinVar aggregate classification (germline): Uncertain significance. Review status: criteria provided, multiple submitters, no conflicts (2 of 4 stars). 2 submissions from 2 submitters: Uncertain significance (2). Last evaluated 2025-06-18.

Conditions:
Symmetrical dyschromatosis of extremities (DSH). Also called: Dyschromatosis symmetrica hereditaria; DYSCHROMATOSIS SYMMETRICA HEREDITARIA 1; RETICULATE ACROPIGMENTATION OF DOHI; SYMMETRIC DYSCHROMATOSIS OF THE EXTREMITIES. Identifiers: Orphanet 41, MedGen C0406775, MONDO:0007483, OMIM 127400.
Aicardi-Goutieres syndrome 6 (AGS6). Identifiers: Orphanet 51, MedGen C3539013, MONDO:0014007, OMIM 615010.
Inborn genetic diseases. Identifiers: MedGen C0950123, MeSH D030342.

Allele frequency attached by ClinVar (database versions not stated): gnomAD exomes below 0.00001.

Submissions (2):

Ambry Genetics
Classification: Uncertain significance for Inborn genetic diseases. Last evaluated: 2025-06-18. Review status: criteria provided, single submitter. Criteria: Ambry Variant Classification Scheme 2023. Collection method: clinical testing. Allele origin: germline.

Labcorp Genetics (formerly Invitae), Labcorp
Classification: Uncertain significance for Aicardi-Goutieres syndrome 6; Symmetrical dyschromatosis of extremities. Last evaluated: 2022-09-27. Review status: criteria provided, single submitter. Criteria: Invitae Variant Classification Sherloc (09022015). Collection method: clinical testing. Allele origin: germline.
Comment: In summary, the available evidence is currently insufficient to determine the role of this variant in disease. Therefore, it has been classified as a Variant of Uncertain Significance. Algorithms developed to predict the effect of sequence changes on RNA splicing suggest that this variant may disrupt the consensus splice site. Advanced modeling of protein sequence and biophysical properties (such as structural, functional, and spatial information, amino acid conservation, physicochemical variation, residue mobility, and thermodynamic stability) performed at Invitae indicates that this missense variant is not expected to disrupt ADAR protein function. ClinVar contains an entry for this variant (Variation ID: 955960). This variant has not been reported in the literature in individuals affected with ADAR-related conditions. This variant is not present in population databases (gnomAD no frequency). This sequence change replaces aspartic acid, which is acidic and polar, with glycine, which is neutral and non-polar, at codon 1093 of the ADAR protein (p.Asp1093Gly).

NM_001111.5(ADAR):c.3278A>G (p.Asp1093Gly)

Gene: ADAR (adenosine deaminase RNA specific; minus strand). Cytogenetic location: 1q21.3.
Variant type: single nucleotide variant.
Coding change: c.3278A>G on transcript NM_001111.5 (MANE Select); coding-DNA position 3278, A replaced by G.
Protein change: p.Asp1093Gly; replaces aspartic acid 1093 with glycine.
Molecular consequence: missense variant.
Genome position (GRCh38, 1-based): chr1:154,585,790, T>C on the plus strand (A>G on the coding strand, the complement: ADAR is on the minus strand). VCF-style: chr1-154585790-T-C. GRCh37 (hg19) VCF-style: chr1-154558266-T-C.
Other names: c.2393A>G, p.Asp798Gly (NM_001025107.3, NM_001193495.2, NM_001365046.1 and 2 more transcripts); c.3305A>G, p.Asp1102Gly (NM_001365045.1); c.2315A>G, p.Asp772Gly (NM_001365049.1); c.3200A>G, p.Asp1067Gly (NM_015840.4); c.3143A>G, p.Asp1048Gly (NM_015841.4); short protein forms D1067G, D1093G, D1102G, D772G, D798G, D1048G.
Identifiers: ClinVar variation 955960 (VCV000955960.10), dbSNP rs1696719202, ClinGen allele CA342635327.